The following is an entry in ClinVar:

ClinVar aggregate classification (germline): Uncertain significance (1 of 4 stars; one submission).

Conditions:
Multiple congenital anomalies-hypotonia-seizures syndrome 1 (MCAHS1). Also called: PIGN-CDG; Congenital disorder of glycosylation due to PIGN deficiency; GLYCOSYLPHOSPHATIDYLINOSITOL BIOSYNTHESIS DEFECT 3. Identifiers: Orphanet 280633, MedGen C3279775, MONDO:0013563, OMIM 614080.

Allele frequency attached by ClinVar (database versions not stated): gnomAD 0.00001; TOPMed 0.00001.
gnomAD v4.1: 7 of 1,449,512 alleles (0.00048%); highest among the groups gnomAD compares: Non-Finnish European, 0.00057%; no homozygotes.

Submission:

Labcorp Genetics (formerly Invitae), Labcorp
Classification: Uncertain significance for Multiple congenital anomalies-hypotonia-seizures syndrome 1. Last evaluated: 2022-10-13. Review status: criteria provided, single submitter. Criteria: Invitae Variant Classification Sherloc (09022015). Collection method: clinical testing. Allele origin: germline.
Comment: This sequence change replaces serine, which is neutral and polar, with threonine, which is neutral and polar, at codon 270 of the PIGN protein (p.Ser270Thr). This variant is not present in population databases (gnomAD no frequency). This variant has not been reported in the literature in individuals affected with PIGN-related conditions. ClinVar contains an entry for this variant (Variation ID: 1046983). Algorithms developed to predict the effect of missense changes on protein structure and function (SIFT, PolyPhen-2, Align-GVGD) all suggest that this variant is likely to be tolerated. This variant disrupts the p.Ser270 amino acid residue in PIGN. Other variant(s) that disrupt this residue have been determined to be pathogenic (PMID: 24253414, 26419326). This suggests that this residue is clinically significant, and that variants that disrupt this residue are likely to be disease-causing. In summary, the available evidence is currently insufficient to determine the role of this variant in disease. Therefore, it has been classified as a Variant of Uncertain Significance.

Literature cited by the submitters: PubMed 24253414; PubMed 26419326.

NM_176787.5(PIGN):c.808T>A (p.Ser270Thr)

Gene: PIGN (phosphatidylinositol glycan anchor biosynthesis class N; minus strand). Cytogenetic location: 18q21.33.
Variant type: single nucleotide variant.
Coding change: c.808T>A on transcript NM_176787.5 (MANE Select); coding-DNA position 808, T replaced by A.
Protein change: p.Ser270Thr; replaces serine 270 with threonine.
Molecular consequence: missense variant.
Genome position (GRCh38, 1-based): chr18:62,146,023, A>T on the plus strand (T>A on the coding strand, the complement: PIGN is on the minus strand). VCF-style: chr18-62146023-A-T. GRCh37 (hg19) VCF-style: chr18-59813256-A-T.
Other names: c.808T>A, p.Ser270Thr (NM_012327.6); short protein forms S270T.
Identifiers: ClinVar variation 1046983 (VCV001046983.7), dbSNP rs587777186, ClinGen allele CA402601338.
Genomic context (GRCh38, chr18:62,146,023, plus strand): 5'-TTCCAGCTCCCCAAGTGACTAAAGGAGTTAAAGTCTCTGAAGGATGACCAGCCCCATGGG[A>T]ACCTACAAATAAGATATAAAGAATAATAAGACAAATATAGAAGAACTAACTTACAACTAA-3'
Protein context (NP_789744.1, residues 260-280): TSDHGMTDWG[Ser270Thr]HGAGHPSETL